The following is an entry in ClinVar:

ClinVar aggregate classification (germline): Likely pathogenic (1 of 4 stars; one submission).

Conditions:
Nemaline myopathy 2 (NEM2). Also called: Nemaline myopathy 2, autosomal recessive. Identifiers: MedGen C1850569, MONDO:0009725, OMIM 256030.

Submission:

Labcorp Genetics (formerly Invitae), Labcorp
Classification: Likely pathogenic for Nemaline myopathy 2. Last evaluated: 2022-03-18. Review status: criteria provided, single submitter. Criteria: Invitae Variant Classification Sherloc (09022015). Collection method: clinical testing. Allele origin: germline.
Comment: This variant occurs in a region of NEB (Exons 82-105) consisting of three highly homologous 8-exon repeat units (exons 82-89, exons 90-97, exons 98-105). Sequence variants in this region can be detected, but this assay cannot determine which of the three repeat units is affected, and zygosity is often ambiguous. All variants in this region are reported relative to the exon 82-89 repeat. This sequence change affects an acceptor splice site in intron 83 of the NEB gene. It is expected to disrupt RNA splicing. Variants that disrupt the donor or acceptor splice site typically lead to a loss of protein function (PMID: 16199547), and loss-of-function variants in NEB are known to be pathogenic (PMID: 25205138). The frequency data for this variant in the population databases (gnomAD) is considered unreliable due to the presence of homologous sequence, such as pseudogenes or paralogs, in the genome. This variant has not been reported in the literature in individuals affected with NEB-related conditions. ClinVar contains an entry for this variant (Variation ID: 1066714). Algorithms developed to predict the effect of sequence changes on RNA splicing suggest that this variant may disrupt the consensus splice site. In summary, the currently available evidence indicates that the variant is pathogenic, but additional data are needed to prove that conclusively. Therefore, this variant has been classified as Likely Pathogenic.

Literature cited by the submitters: PubMed 16199547; PubMed 25205138.

NM_001164508.2(NEB):c.12640-1G>A

Gene: NEB (nebulin; minus strand). Cytogenetic location: 2q23.3.
Variant type: single nucleotide variant.
Coding change: c.12640-1G>A on transcript NM_001164508.2 (MANE Select); the canonical splice acceptor site of the intron before coding-DNA position 12640, G replaced by A.
Molecular consequence: splice acceptor variant. On other transcripts: intron variant (1).
Genome position (GRCh38, 1-based): chr2:151,606,714, C>T on the plus strand (G>A on the coding strand, the complement: NEB is on the minus strand). VCF-style: chr2-151606714-C-T. GRCh37 (hg19) VCF-style: chr2-152463228-C-T.
Other names: c.11601+3095G>A (NM_004543.5); c.12640-1G>A (NM_001164507.2, NM_001271208.2).
Identifiers: ClinVar variation 1066714 (VCV001066714.9), dbSNP rs2097713999, ClinGen allele CA348774646.
Genomic context (GRCh38, chr2:151,606,714, plus strand): 5'-ATCTGCCCTTATGTCATAGCCTTTCTGCTTGGCGTCATTCCAGTCTTTTTGGTAGAGTTT[C>T]TATAGAGGGAAAATAAAGGTTTGTTTACAAGAATGGAAAAATAAGCAAATTTACTCAAAT-3'